The following is an entry in ClinVar:

ClinVar aggregate classification (germline): Benign (1 of 4 stars; one submission).

Conditions:
Neuronal ceroid lipofuscinosis 7 (CLN7). Also called: MFSD8-Related Neuronal Ceroid-Lipofuscinosis. Identifiers: Orphanet 168491, Orphanet 228366, MedGen C1838571, MONDO:0012588, OMIM 610951.

Allele frequency attached by ClinVar (database versions not stated): gnomAD 0.00691 and 0.00731; 1000 Genomes Project 0.00739; TOPMed 0.00767; 1000 Genomes Project 30x 0.00781.

Submission:

Illumina Laboratory Services, Illumina
Classification: Benign for Neuronal ceroid lipofuscinosis 7. Last evaluated: 2018-01-13. Review status: criteria provided, single submitter. Criteria: ICSL Variant Classification Criteria 13 December 2019. Collection method: clinical testing. Allele origin: germline.
Comment: This variant was observed in the ICSL laboratory as part of a predisposition screen in an ostensibly healthy population. It had not been previously curated by ICSL or reported in the Human Gene Mutation Database (HGMD: prior to June 1st, 2018), and was therefore a candidate for classification through an automated scoring system. Utilizing variant allele frequency, disease prevalence and penetrance estimates, and inheritance mode, an automated score was calculated to assess if this variant is too frequent to cause the disease. Based on the score and internal cut-off values, a variant classified as benign is not then subjected to further curation. The score for this variant resulted in a classification of benign for this disease.

NM_001371596.2(MFSD8):c.*2464C>T

Gene: MFSD8 (major facilitator superfamily domain containing 8; minus strand). Cytogenetic location: 4q28.2.
Variant type: single nucleotide variant.
Coding change: c.*2464C>T on transcript NM_001371596.2 (MANE Select); 2464 bases downstream of the stop codon, C replaced by T.
Molecular consequence: 3 prime UTR variant.
Genome position (GRCh38, 1-based): chr4:127,918,166, G>A on the plus strand (C>T on the coding strand, the complement: MFSD8 is on the minus strand). VCF-style: chr4-127918166-G-A. GRCh37 (hg19) VCF-style: chr4-128839321-G-A.
Other names: c.*2464C>T (NM_001363520.3, NM_001363521.3, NM_001371590.2 and 7 more transcripts); c.*3593C>T (NM_001410766.1).
Identifiers: ClinVar variation 902668 (VCV000902668.6), dbSNP rs114689638, ClinGen allele CA105663835.
Genomic context (GRCh38, chr4:127,918,166, plus strand): 5'-GAAAATCATCCTTTCAAGTTTAAATTTGTTTTCAAAAACATATTTTCTCTTCTTAAATAT[G>A]TACTACTCTTAACAATATATCATACCTTAAAATCTCCTGTTGTCATTTTCTCTTTATACG-3'